The following is an entry in ClinVar:

ClinVar aggregate classification (germline): Likely pathogenic (1 of 4 stars; one submission).

Conditions:
Hereditary spastic paraplegia 7 (SPG7). Also called: Autosomal recessive spastic paraplegia type 7; SPASTIC PARAPLEGIA 7, AUTOSOMAL RECESSIVE, WITH OR WITHOUT CEREBELLAR ATAXIA; Spastic paraplegia 7; Hereditary spastic paraplegia Paraplegin type; SPG7-related neurologic disorder. Identifiers: Orphanet 99013, MedGen C1846564, MONDO:0011803, OMIM 607259.

Submission:

PROSPAX: an integrated multimodal progression  chart in spastic ataxias, Center for Neurology; Hertie-Institute for Clinical Brain Research
Classification: Likely pathogenic for Hereditary spastic paraplegia 7. Last evaluated: 2022-01-01. Review status: criteria provided, single submitter. Criteria: ACMG Guidelines, 2015. Collection method: research. Allele origin: germline. Affected: yes.
Comment: Variant seen in compound het: [c.1529C>T;c.1756G>T]

NM_003119.4(SPG7):c.1756G>T (p.Glu586Ter)

Gene: SPG7 (SPG7 matrix AAA peptidase subunit, paraplegin; plus strand). Cytogenetic location: 16q24.3.
Variant type: single nucleotide variant.
Coding change: c.1756G>T on transcript NM_003119.4 (MANE Select); coding-DNA position 1756, G replaced by T.
Protein change: p.Glu586Ter; replaces glutamic acid 586 with a stop codon.
Molecular consequence: nonsense.
Genome position (GRCh38, 1-based): chr16:89,550,586, G>T. VCF-style: chr16-89550586-G-T. GRCh37 (hg19) VCF-style: chr16-89616994-G-T.
Other names: c.1756G>T, p.Glu586Ter (NM_001363850.1); short protein forms E586*.
Identifiers: ClinVar variation 3242472 (VCV003242472.1).